The following is an entry in ClinVar:

ClinVar aggregate classification (germline): Uncertain significance (1 of 4 stars; one submission).

Conditions:
Developmental and epileptic encephalopathy, 30 (DEE30). Also called: Epileptic encephalopathy, early infantile, 30. Identifiers: MedGen C4225360, MONDO:0014595, OMIM 616341.

Allele frequency attached by ClinVar (database versions not stated): ExAC 0.00001; gnomAD exomes 0.00001.

Submission:

Labcorp Genetics (formerly Invitae), Labcorp
Classification: Uncertain significance for Developmental and epileptic encephalopathy, 30. Last evaluated: 2024-06-03. Review status: criteria provided, single submitter. Criteria: Invitae Variant Classification Sherloc (09022015). Collection method: clinical testing. Allele origin: germline.
Comment: This sequence change replaces arginine, which is basic and polar, with tryptophan, which is neutral and slightly polar, at codon 276 of the SIK1 protein (p.Arg276Trp). This variant is present in population databases (rs775013998, gnomAD 0.003%). This variant has not been reported in the literature in individuals affected with SIK1-related conditions. ClinVar contains an entry for this variant (Variation ID: 936978). An algorithm developed to predict the effect of missense changes on protein structure and function (PolyPhen-2) suggests that this variant is likely to be disruptive. In summary, the available evidence is currently insufficient to determine the role of this variant in disease. Therefore, it has been classified as a Variant of Uncertain Significance.

NM_173354.5(SIK1):c.826C>T (p.Arg276Trp)

Gene: SIK1 (salt inducible kinase 1; minus strand). Cytogenetic location: 21q22.3.
Variant type: single nucleotide variant.
Coding change: c.826C>T on transcript NM_173354.5 (MANE Select); coding-DNA position 826, C replaced by T.
Protein change: p.Arg276Trp; replaces arginine 276 with tryptophan.
Molecular consequence: missense variant.
Genome position (GRCh38, 1-based): chr21:43,420,380, G>A on the plus strand (C>T on the coding strand, the complement: SIK1 is on the minus strand). VCF-style: chr21-43420380-G-A. GRCh37 (hg19) VCF-style: chr21-44840260-G-A.
Other names: short protein forms R276W.
Identifiers: ClinVar variation 936978 (VCV000936978.10), dbSNP rs775013998, ClinGen allele CA321326906.